The following is an entry in ClinVar:

ClinVar aggregate classification (germline): Uncertain significance. Review status: criteria provided, multiple submitters, no conflicts (2 of 4 stars). 2 submissions from 2 submitters: Uncertain significance (2). Last evaluated 2023-06-27.

Conditions:
Inborn genetic diseases. Identifiers: MedGen C0950123, MeSH D030342.
Hyperphosphatasia with impaired intellectual development syndrome 2. Also called: Hyperphosphatasia with intellectual disability syndrome 2; GLYCOSYLPHOSPHATIDYLINOSITOL BIOSYNTHESIS DEFECT 6. Identifiers: Orphanet 247262, MedGen C3553637, MONDO:0013882, OMIM 614749.

Allele frequency attached by ClinVar (database versions not stated): TOPMed 0.00001; gnomAD 0.00001.
gnomAD v4.1: 1 of 1,614,074 alleles (0.000062%); no homozygotes.

Submissions (2):

Ambry Genetics
Classification: Uncertain significance for Inborn genetic diseases. Last evaluated: 2023-06-27. Review status: criteria provided, single submitter. Criteria: Ambry Variant Classification Scheme 2023. Collection method: clinical testing. Allele origin: germline.

Labcorp Genetics (formerly Invitae), Labcorp
Classification: Uncertain significance for Hyperphosphatasia with impaired intellectual development syndrome 2. Last evaluated: 2022-10-25. Review status: criteria provided, single submitter. Criteria: Invitae Variant Classification Sherloc (09022015). Collection method: clinical testing. Allele origin: germline.
Comment: This sequence change replaces glutamine, which is neutral and polar, with histidine, which is basic and polar, at codon 124 of the PIGO protein (p.Gln124His). This variant is not present in population databases (gnomAD no frequency). This variant has not been reported in the literature in individuals affected with PIGO-related conditions. ClinVar contains an entry for this variant (Variation ID: 665155). Advanced modeling of protein sequence and biophysical properties (such as structural, functional, and spatial information, amino acid conservation, physicochemical variation, residue mobility, and thermodynamic stability) performed at Invitae indicates that this missense variant is not expected to disrupt PIGO protein function. In summary, the available evidence is currently insufficient to determine the role of this variant in disease. Therefore, it has been classified as a Variant of Uncertain Significance.

NM_032634.4(PIGO):c.372G>T (p.Gln124His)

Gene: PIGO (phosphatidylinositol glycan anchor biosynthesis class O; minus strand). Cytogenetic location: 9p13.3.
Variant type: single nucleotide variant.
Coding change: c.372G>T on transcript NM_032634.4 (MANE Select); coding-DNA position 372, G replaced by T.
Protein change: p.Gln124His; replaces glutamine 124 with histidine.
Molecular consequence: missense variant.
Genome position (GRCh38, 1-based): chr9:35,095,194, C>A on the plus strand (G>T on the coding strand, the complement: PIGO is on the minus strand). VCF-style: chr9-35095194-C-A. GRCh37 (hg19) VCF-style: chr9-35095191-C-A.
Other names: c.372G>T, p.Gln124His (NM_001201484.2, NM_152850.4); short protein forms Q124H.
Identifiers: ClinVar variation 665155 (VCV000665155.7), dbSNP rs952844998, ClinGen allele CA373324426.